The following is an entry in ClinVar:

ClinVar aggregate classification (germline): Benign. Review status: criteria provided, multiple submitters, no conflicts (2 of 4 stars). 10 submissions from 10 submitters: Benign (8). 2 of the submissions do not count toward it. Last evaluated 2026-02-03.

Conditions:
Spastic paraplegia. Identifiers: MedGen C0037772, HP:0001258.
Hereditary spastic paraplegia. Also called: Familial spastic paraparesis. Identifiers: Orphanet 685, MedGen C0037773, MONDO:0019064. Disease mechanism: loss of function.
Hereditary spastic paraplegia 35. Also called: SPASTIC PARAPLEGIA 35, AUTOSOMAL RECESSIVE, WITH OR WITHOUT NEURODEGENERATION; Spastic paraplegia 35; LEUKODYSTROPHY, DYSMYELINATING, AND SPASTIC PARAPARESIS WITH OR WITHOUT DYSTONIA; Spastic paraplegia 35, autosomal recessive. Identifiers: Orphanet 171629, MedGen C3496228, MONDO:0012866, OMIM 612319.

Allele frequency attached by ClinVar (database versions not stated): gnomAD exomes 0.03451 and 0.03774; 1000 Genomes Project 30x 0.07605; gnomAD 0.07800 and 0.08207; ExAC 0.04216; 1000 Genomes Project 0.07368; ESP Exome Variant Server 0.08333; TOPMed 0.08470.
gnomAD v4.1: 62,550 of 1,613,832 alleles (3.9%); highest among the groups gnomAD compares: African/African-American, 21%; 2,564 homozygotes.

Submissions (10):

Labcorp Genetics (formerly Invitae), Labcorp
Classification: Benign for Spastic paraplegia. Last evaluated: 2026-02-03. Review status: criteria provided, single submitter. Criteria: Invitae Variant Classification Sherloc (09022015). Collection method: clinical testing. Allele origin: germline.

Athena Diagnostics
Classification: Benign. Last evaluated: 2023-11-13. Review status: criteria provided, single submitter. Criteria: Athena Diagnostics Criteria. Collection method: clinical testing. Allele origin: unknown.

Illumina Laboratory Services, Illumina
Classification: Benign for Hereditary spastic paraplegia 35. Last evaluated: 2018-01-13. Review status: criteria provided, single submitter. Criteria: ICSL Variant Classification Criteria 13 December 2019. Collection method: clinical testing. Allele origin: germline.
Comment: This variant was observed in the ICSL laboratory as part of a predisposition screen in an ostensibly healthy population. It had not been previously curated by ICSL or reported in the Human Gene Mutation Database (HGMD: prior to June 1st, 2018), and was therefore a candidate for classification through an automated scoring system. Utilizing variant allele frequency, disease prevalence and penetrance estimates, and inheritance mode, an automated score was calculated to assess if this variant is too frequent to cause the disease. Based on the score and internal cut-off values, a variant classified as benign is not then subjected to further curation. The score for this variant resulted in a classification of benign for this disease.

Mayo Clinic Laboratories, Mayo Clinic
Classification: Benign. Last evaluated: 2017-07-25. Review status: criteria provided, single submitter. Criteria: ACMG Guidelines, 2015. Collection method: clinical testing. Allele origin: germline. Observed: 178 variant alleles.

Genome Diagnostics Laboratory, The Hospital for Sick Children
Classification: Benign for Hereditary spastic paraplegia. Last evaluated: 2016-12-12. Review status: criteria provided, single submitter. Criteria: ACMG Guidelines, 2015. Collection method: clinical testing. Allele origin: germline. Affected: yes.

GeneDx
Classification: Benign. Last evaluated: 2016-08-03. Review status: criteria provided, single submitter. Criteria: GeneDx Variant Classification (06012015). Collection method: clinical testing. Allele origin: germline. Affected: yes.
Comment: This variant is considered likely benign or benign based on one or more of the following criteria: it is a conservative change, it occurs at a poorly conserved position in the protein, it is predicted to be benign by multiple in silico algorithms, and/or has population frequency not consistent with disease.

Genetic Services Laboratory, University of Chicago
Classification: Benign for AllHighlyPenetrant. Last evaluated: 2013-08-15. Review status: criteria provided, single submitter. Criteria: ACMG Guidelines, 2007. Collection method: clinical testing. Allele origin: germline. Inheritance: Autosomal recessive inheritance.

Breakthrough Genomics
Classification: Benign. Review status: criteria provided, single submitter. Criteria: ACMG Guidelines, 2015. Collection method: not provided. Allele origin: germline. Inheritance: Autosomal recessive inheritance. Affected: yes.

Genome Diagnostics Laboratory, Amsterdam University Medical Center
Classification: Benign. Review status: no assertion criteria provided. Collection method: clinical testing. Allele origin: germline. Affected: yes. Study: VKGL Data-share Consensus. Not counted in ClinVar's aggregate classification.

Joint Genome Diagnostic Labs from Nijmegen and Maastricht, Radboudumc and MUMC+
Classification: Benign. Review status: no assertion criteria provided. Collection method: clinical testing. Allele origin: germline. Affected: yes. Study: VKGL Data-share Consensus. Not counted in ClinVar's aggregate classification.

NM_024306.5(FA2H):c.933T>C (p.Tyr311=)

Gene: FA2H (fatty acid 2-hydroxylase; minus strand). Cytogenetic location: 16q23.1.
Variant type: single nucleotide variant.
Coding change: c.933T>C on transcript NM_024306.5 (MANE Select); coding-DNA position 933, T replaced by C.
Protein change: p.Tyr311=; no amino-acid change (tyrosine 311 retained).
Molecular consequence: synonymous variant.
Genome position (GRCh38, 1-based): chr16:74,716,453, A>G on the plus strand (T>C on the coding strand, the complement: FA2H is on the minus strand). VCF-style: chr16-74716453-A-G. GRCh37 (hg19) VCF-style: chr16-74750351-A-G.
Other names: p.Tyr311=.
Identifiers: ClinVar variation 129033 (VCV000129033.27), dbSNP rs11554620, ClinGen allele CA152817.
Genomic context (GRCh38, chr16:74,716,453, plus strand): 5'-GCTGTACAGGTAGGAGCCCTTGTGCGGCGAGCCAAAGTGCAGGTAGTAATGGGTCATGTC[A>G]TAGAGGACGTAGCCCAGGAGGCCCCCCGCAAACACAGTGCCCCCTACTGCCTCGGGCAGG-3'
Protein context (NP_077282.3, residues 301-321): FAGGLLGYVL[Tyr311=]DMTHYYLHFG